The following is an entry in ClinVar:

NM_002772.3(TMPRSS15):c.2297A>G (p.Gln766Arg)

Gene: TMPRSS15 (transmembrane serine protease 15; minus strand). Cytogenetic location: 21q21.1.
Variant type: single nucleotide variant.
Coding change: c.2297A>G on transcript NM_002772.3 (MANE Select); coding-DNA position 2297, A replaced by G.
Protein change: p.Gln766Arg; replaces glutamine 766 with arginine.
Molecular consequence: missense variant.
Genome position (GRCh38, 1-based): chr21:18,294,617, T>C on the plus strand (A>G on the coding strand, the complement: TMPRSS15 is on the minus strand). VCF-style: chr21-18294617-T-C. GRCh37 (hg19) VCF-style: chr21-19666934-T-C.
Other names: c.2297A>G (NM_002772.2); short protein forms Q766R.
Identifiers: ClinVar variation 1979742 (VCV001979742.5), dbSNP rs754327553, ClinGen allele CA9984116.

ClinVar aggregate classification (germline): Uncertain significance. Review status: criteria provided, multiple submitters, no conflicts (2 of 4 stars). 2 submissions from 2 submitters: Uncertain significance (2). Last evaluated 2024-03-20.

Allele frequency attached by ClinVar (database versions not stated): gnomAD 0.00001; TOPMed 0.00003; ExAC 0.00009.
gnomAD v4.1: 16 of 1,611,684 alleles (0.00099%); highest among the groups gnomAD compares: East Asian, 0.029%; no homozygotes.

Submissions (2):

Ambry Genetics
Classification: Uncertain significance. Last evaluated: 2024-03-20. Review status: criteria provided, single submitter. Criteria: Ambry Variant Classification Scheme 2023. Collection method: clinical testing. Allele origin: germline.

Labcorp Genetics (formerly Invitae), Labcorp
Classification: Uncertain significance. Last evaluated: 2022-03-14. Review status: criteria provided, single submitter. Criteria: Invitae Variant Classification Sherloc (09022015). Collection method: clinical testing. Allele origin: germline.
Comment: In summary, the available evidence is currently insufficient to determine the role of this variant in disease. Therefore, it has been classified as a Variant of Uncertain Significance. Algorithms developed to predict the effect of missense changes on protein structure and function output the following: SIFT: "Not Available"; PolyPhen-2: "Benign"; Align-GVGD: "Not Available". The arginine amino acid residue is found in multiple mammalian species, which suggests that this missense change does not adversely affect protein function. This variant has not been reported in the literature in individuals affected with TMPRSS15-related conditions. This variant is present in population databases (rs754327553, gnomAD 0.08%). This sequence change replaces glutamine, which is neutral and polar, with arginine, which is basic and polar, at codon 766 of the TMPRSS15 protein (p.Gln766Arg).